The following is an entry in ClinVar:

ClinVar aggregate classification (germline): Benign. Review status: criteria provided, multiple submitters, no conflicts (2 of 4 stars). 7 submissions from 7 submitters: Benign (5). 2 of the submissions do not count toward it. Last evaluated 2026-02-03.

Conditions:
Dilated cardiomyopathy 1O (CMD1O). Also called: CARDIOMYOPATHY, DILATED, WITH VENTRICULAR TACHYCARDIA. Identifiers: Orphanet 154, MedGen C1837839, MONDO:0012062, OMIM 608569.

Allele frequency attached by ClinVar (database versions not stated): gnomAD exomes 0.00130; ExAC 0.00165; gnomAD 0.00552 and 0.00584; TOPMed 0.00620; ESP Exome Variant Server 0.00630; 1000 Genomes Project 0.00679; 1000 Genomes Project 30x 0.00734.
gnomAD v4.1: 1,649 of 1,613,744 alleles (0.1%); highest among the groups gnomAD compares: African/African-American, 2%; 9 homozygotes.

Submissions (7):

Labcorp Genetics (formerly Invitae), Labcorp
Classification: Benign for Dilated cardiomyopathy 1O. Last evaluated: 2026-02-03. Review status: criteria provided, single submitter. Criteria: Invitae Variant Classification Sherloc (09022015). Collection method: clinical testing. Allele origin: germline.

Blueprint Genetics
Classification: Benign. Last evaluated: 2024-11-12. Review status: criteria provided, single submitter. Criteria: ACMG Guidelines, 2015. Collection method: clinical testing. Allele origin: germline.

Women's Health and Genetics/Laboratory Corporation of America, LabCorp
Classification: Benign. Last evaluated: 2019-11-05. Review status: criteria provided, single submitter. Criteria: LabCorp Variant Classification Summary - May 2015. Collection method: clinical testing. Allele origin: germline.
Comment: Variant summary: ABCC9 c.2643+17G>C alters a non-conserved nucleotide located close to a canonical splice site and therefore could affect mRNA splicing, leading to a significantly altered protein sequence. 5/5 computational tools predict no significant impact on normal splicing. However, these predictions have yet to be confirmed by functional studies. The variant allele was found at a frequency of 0.0013 in 250992 control chromosomes, predominantly at a frequency of 0.018 within the African or African-American subpopulation in the gnomAD database, including 3 homozygotes. The observed variant frequency within African or African-American control individuals in the gnomAD database is well above the estimated maximal expected allele frequency for a pathogenic variant in ABCC9 causing Cardiomyopathy phenotype (2.5e-05), strongly suggesting that the variant is a benign polymorphism found primarily in populations of African or African-American origin. To our knowledge, no occurrence of c.2643+17G>C in individuals affected with Cardiomyopathy and no experimental evidence demonstrating its impact on protein function have been reported. Co-occurrence with another pathogenic variant has been internally reported (TTR c.424G>A, p.V142I), providing supporting evidence for a benign role. No clinical diagnostic laboratories have submitted clinical-significance assessments for this variant to ClinVar after 2014. Based on the evidence outlined above, the variant was classified as benign.

GeneDx
Classification: Benign. Last evaluated: 2014-05-05. Review status: criteria provided, single submitter. Criteria: GeneDx Variant Classification (06012015). Collection method: clinical testing. Allele origin: germline. Affected: yes.
Comment: This variant is considered likely benign or benign based on one or more of the following criteria: it is a conservative change, it occurs at a poorly conserved position in the protein, it is predicted to be benign by multiple in silico algorithms, and/or has population frequency not consistent with disease.

Breakthrough Genomics
Classification: Benign. Review status: criteria provided, single submitter. Criteria: ACMG Guidelines, 2015. Collection method: not provided. Allele origin: germline. Inheritance: Autosomal recessive inheritance. Affected: yes.

Clinical Genetics DNA and cytogenetics Diagnostics Lab, Erasmus MC, Erasmus Medical Center
Classification: Benign. Review status: no assertion criteria provided. Collection method: clinical testing. Allele origin: germline. Affected: yes. Study: VKGL Data-share Consensus. Not counted in ClinVar's aggregate classification.

Clinical Genetics, Academic Medical Center
Classification: Benign. Review status: no assertion criteria provided. Collection method: clinical testing. Allele origin: germline. Affected: yes. Study: VKGL Data-share Consensus. Not counted in ClinVar's aggregate classification.

NM_020297.4(ABCC9):c.2643+17G>C

Gene: ABCC9 (ATP binding cassette subfamily C member 9; minus strand). Cytogenetic location: 12p12.1.
Variant type: single nucleotide variant.
Coding change: c.2643+17G>C on transcript NM_020297.4 (MANE Select); 17 bases into the intron after coding-DNA position 2643, G replaced by C.
Molecular consequence: intron variant.
Genome position (GRCh38, 1-based): chr12:21,852,351, C>G on the plus strand (G>C on the coding strand, the complement: ABCC9 is on the minus strand). VCF-style: chr12-21852351-C-G. GRCh37 (hg19) VCF-style: chr12-22005285-C-G.
Other names: c.1776+17G>C (NM_001377274.1); c.2643+17G>C (NM_005691.4, NM_001377273.1).
Identifiers: ClinVar variation 136250 (VCV000136250.15), dbSNP rs151310554, ClinGen allele CA289237.
Genomic context (GRCh38, chr12:21,852,351, plus strand): 5'-TCAGAAAGCATTTTTTACTGTCTCTATTTATATGACTATAATATAAAAATGAGCAAAATT[C>G]TCTTCTAAACTCTTACCCAGTCAGCATGCGTCAGATACTGTAATTTGTGAGTCACAAGAA-3'